The following is an entry in ClinVar:

NM_203446.3(SYNJ1):c.3287A>G (p.Gln1096Arg)

Gene: SYNJ1 (synaptojanin 1; minus strand). Cytogenetic location: 21q22.11.
Variant type: single nucleotide variant.
Coding change: c.3287A>G on transcript NM_203446.3 (MANE Select); coding-DNA position 3287, A replaced by G.
Protein change: p.Gln1096Arg; replaces glutamine 1096 with arginine.
Molecular consequence: missense variant.
Genome position (GRCh38, 1-based): chr21:32,645,750, T>C on the plus strand (A>G on the coding strand, the complement: SYNJ1 is on the minus strand). VCF-style: chr21-32645750-T-C. GRCh37 (hg19) VCF-style: chr21-34018060-T-C.
Other names: c.3287A>G, p.Gln1096Arg (NM_001160302.2); c.3272A>G, p.Gln1091Arg (NM_001160306.2); c.3404A>G, p.Gln1135Arg (NM_003895.4); short protein forms Q1091R, Q1096R, Q1135R.
Identifiers: ClinVar variation 1361906 (VCV001361906.5), dbSNP rs979154699, ClinGen allele CA319422844.

ClinVar aggregate classification (germline): Uncertain significance (1 of 4 stars; one submission).

Conditions:
Developmental and epileptic encephalopathy, 53. Also called: Epileptic encephalopathy, early infantile, 53. Identifiers: MedGen C4479313, MONDO:0033362, OMIM 617389.
Early-onset Parkinson disease 20. Also called: PARKINSON DISEASE 20, AUTOSOMAL RECESSIVE EARLY-ONSET. Identifiers: Orphanet 391411, MedGen C3809824, MONDO:0014233, OMIM 615530.

Submission:

Labcorp Genetics (formerly Invitae), Labcorp
Classification: Uncertain significance for Developmental and epileptic encephalopathy, 53; Early-onset Parkinson disease 20. Last evaluated: 2021-08-14. Review status: criteria provided, single submitter. Criteria: Invitae Variant Classification Sherloc (09022015). Collection method: clinical testing. Allele origin: germline.
Comment: This sequence change replaces glutamine with arginine at codon 1135 of the SYNJ1 protein (p.Gln1135Arg). The glutamine residue is moderately conserved and there is a small physicochemical difference between glutamine and arginine. The frequency data for this variant in the population databases is considered unreliable, as metrics indicate insufficient coverage at this position in the ExAC database. This variant has not been reported in the literature in individuals affected with SYNJ1-related conditions. Algorithms developed to predict the effect of missense changes on protein structure and function are either unavailable or do not agree on the potential impact of this missense change (SIFT: "Deleterious"; PolyPhen-2: "Benign"; Align-GVGD: "Class C0"). In summary, the available evidence is currently insufficient to determine the role of this variant in disease. Therefore, it has been classified as a Variant of Uncertain Significance.